The following is an entry in ClinVar:

NM_006648.4(WNK2):c.5061G>T (p.Glu1687Asp)

Gene: WNK2 (WNK lysine deficient protein kinase 2; plus strand). Cytogenetic location: 9q22.31.
Variant type: single nucleotide variant.
Coding change: c.5061G>T on transcript NM_006648.4 (MANE Select); coding-DNA position 5061, G replaced by T.
Protein change: p.Glu1687Asp; replaces glutamic acid 1687 with aspartic acid.
Molecular consequence: missense variant.
Genome position (GRCh38, 1-based): chr9:93,292,526, G>T. VCF-style: chr9-93292526-G-T. GRCh37 (hg19) VCF-style: chr9-96054808-G-T.
Other names: c.5172G>T, p.Glu1724Asp (NM_001282394.3); short protein forms E1724D, E1687D.
Identifiers: ClinVar variation 4201530 (VCV004201530.1).

ClinVar aggregate classification (germline): Uncertain significance (1 of 4 stars; one submission).

gnomAD v4.1: 13 of 1,583,358 alleles (0.00082%); highest among the groups gnomAD compares: Non-Finnish European, 0.0011%; no homozygotes.

Submission:

Ambry Genetics
Classification: Uncertain significance. Last evaluated: 2025-06-21. Review status: criteria provided, single submitter. Criteria: Ambry Variant Classification Scheme 2023. Collection method: clinical testing. Allele origin: germline.
Comment: The p.E1687D variant (also known as c.5061G>T), located in coding exon 22 of the WNK2 gene, results from a G to T substitution at nucleotide position 5061. The glutamic acid at codon 1687 is replaced by aspartic acid, an amino acid with highly similar properties. This amino acid position is conserved. In addition, this alteration is predicted to be tolerated by in silico analysis. Based on the available evidence, the clinical significance of this variant remains unclear.